The following is an entry in ClinVar:

NM_001018111.3(PODXL):c.854C>T (p.Ala285Val)

Gene: PODXL (podocalyxin like; minus strand). Cytogenetic location: 7q32.3.
Variant type: single nucleotide variant.
Coding change: c.854C>T on transcript NM_001018111.3 (MANE Select); coding-DNA position 854, C replaced by T.
Protein change: p.Ala285Val; replaces alanine 285 with valine.
Molecular consequence: missense variant.
Genome position (GRCh38, 1-based): chr7:131,509,534, G>A on the plus strand (C>T on the coding strand, the complement: PODXL is on the minus strand). VCF-style: chr7-131509534-G-A. GRCh37 (hg19) VCF-style: chr7-131194293-G-A.
Other names: c.758C>T, p.Ala253Val (NM_005397.4); short protein forms A285V, A253V.
Identifiers: ClinVar variation 2493234 (VCV002493234.3), dbSNP rs762208662, ClinGen allele CA4488603.

ClinVar aggregate classification (germline): Uncertain significance. Review status: criteria provided, multiple submitters, no conflicts (2 of 4 stars). 2 submissions from 2 submitters: Uncertain significance (2). Last evaluated 2025-07-01.

Conditions:
Inborn genetic diseases. Identifiers: MedGen C0950123, MeSH D030342.

Allele frequency attached by ClinVar (database versions not stated): gnomAD exomes below 0.00001; TOPMed below 0.00001; ExAC 0.00001; gnomAD 0.00001.
gnomAD v4.1: 4 of 1,600,928 alleles (0.00025%); highest among the groups gnomAD compares: African/African-American, 0.0013%; no homozygotes.

Submissions (2):

Labcorp Genetics (formerly Invitae), Labcorp
Classification: Uncertain significance. Last evaluated: 2025-07-01. Review status: criteria provided, single submitter. Criteria: Invitae Variant Classification Sherloc (09022015). Collection method: clinical testing. Allele origin: germline.
Comment: This sequence change replaces alanine, which is neutral and non-polar, with valine, which is neutral and non-polar, at codon 253 of the PODXL protein (p.Ala253Val). The frequency data for this variant in the population databases is considered unreliable, as metrics indicate poor data quality at this position in the gnomAD database. This variant has not been reported in the literature in individuals affected with PODXL-related conditions. ClinVar contains an entry for this variant (Variation ID: 2493234). An algorithm developed to predict the effect of missense changes on protein structure and function outputs the following: PolyPhen-2: "Benign". The valine amino acid residue is found in multiple mammalian species, which suggests that this missense change does not adversely affect protein function. In summary, the available evidence is currently insufficient to determine the role of this variant in disease. Therefore, it has been classified as a Variant of Uncertain Significance.

Ambry Genetics
Classification: Uncertain significance for Inborn genetic diseases. Last evaluated: 2023-03-02. Review status: criteria provided, single submitter. Criteria: Ambry Variant Classification Scheme 2023. Collection method: clinical testing. Allele origin: germline.